The following is an entry in ClinVar:

ClinVar aggregate classification (germline): Uncertain significance (0 of 4 stars; one submission).

Conditions:
Abnormality of neuronal migration. Identifiers: MedGen C1837249, HP:0002269.

Submission:

Génétique et pathophysiologie de maladies neurodéveloppementales et épileptogènes, Institut de génétique et de biologie moléculaire et cellulaire
Classification: Uncertain significance for Malformation of Cortical Development. Last evaluated: 2014-10-31. Review status: no assertion criteria provided. Collection method: clinical testing. Allele origin: maternal. Affected: yes. Observed: 4 variant alleles, 2 heterozygotes, 2 compound heterozygotes.

NM_001447.2(FAT2):c.[2773T>C];[930T>G]

Variant type: CompoundHeterozygote.
Identifiers: ClinVar variation 424741 (VCV000424741.2).